The following is an entry in ClinVar:

ClinVar aggregate classification (germline): Uncertain significance (1 of 4 stars; one submission).

Conditions:
Duchenne muscular dystrophy (DMD). Also called: MUSCULAR DYSTROPHY, PSEUDOHYPERTROPHIC PROGRESSIVE, DUCHENNE TYPE; Duchenne Muscular Dystrophy (DMD). Identifiers: Orphanet 98896, MedGen C0013264, MONDO:0010679, OMIM 310200.

Allele frequency attached by ClinVar (database versions not stated): gnomAD exomes below 0.00001 and 0.00002; ExAC 0.00001; gnomAD 0.00001.
gnomAD v4.1: 4 of 1,208,989 alleles (0.00033%); highest among the groups gnomAD compares: Non-Finnish European, 0.00045%; no homozygotes.

Submission:

Labcorp Genetics (formerly Invitae), Labcorp
Classification: Uncertain significance for Duchenne muscular dystrophy. Last evaluated: 2024-10-02. Review status: criteria provided, single submitter. Criteria: Invitae Variant Classification Sherloc (09022015). Collection method: clinical testing. Allele origin: germline.
Comment: This sequence change replaces glutamine, which is neutral and polar, with arginine, which is basic and polar, at codon 803 of the DMD protein (p.Gln803Arg). This variant is present in population databases (rs769702449, gnomAD 0.004%). This variant has not been reported in the literature in individuals affected with DMD-related conditions. ClinVar contains an entry for this variant (Variation ID: 1432677). Invitae Evidence Modeling of protein sequence and biophysical properties (such as structural, functional, and spatial information, amino acid conservation, physicochemical variation, residue mobility, and thermodynamic stability) indicates that this missense variant is not expected to disrupt DMD protein function with a negative predictive value of 95%. In summary, the available evidence is currently insufficient to determine the role of this variant in disease. Therefore, it has been classified as a Variant of Uncertain Significance.

NM_004006.3(DMD):c.2408A>G (p.Gln803Arg)

Gene: DMD (dystrophin; minus strand). Cytogenetic location: Xp21.1.
Variant type: single nucleotide variant.
Coding change: c.2408A>G on transcript NM_004006.3 (MANE Select); coding-DNA position 2408, A replaced by G.
Protein change: p.Gln803Arg; replaces glutamine 803 with arginine.
Molecular consequence: missense variant.
Genome position (GRCh38, 1-based): chrX:32,491,491, T>C on the plus strand (A>G on the coding strand, the complement: DMD is on the minus strand). VCF-style: chrX-32491491-T-C. GRCh37 (hg19) VCF-style: chrX-32509608-T-C.
Other names: c.2384A>G, p.Gln795Arg (NM_000109.4); c.2396A>G, p.Gln799Arg (NM_004009.3); c.2039A>G, p.Gln680Arg (NM_004010.3); short protein forms Q799R, Q680R, Q795R, Q803R.
Identifiers: ClinVar variation 1432677 (VCV001432677.8), dbSNP rs769702449, ClinGen allele CA10379518.